The following is an entry in ClinVar:

ClinVar aggregate classification (germline): Uncertain significance. Review status: criteria provided, multiple submitters, no conflicts (2 of 4 stars). 2 submissions from 2 submitters: Uncertain significance (2). Last evaluated 2026-03-16.

Conditions:
Familial thoracic aortic aneurysm and aortic dissection (TAAD). Also called: Thoracic aortic aneurysms and dissections. Identifiers: Orphanet 91387, MedGen C4707243, MONDO:0019625.

Submissions (2):

GeneDx
Classification: Uncertain significance. Last evaluated: 2026-03-16. Review status: criteria provided, single submitter. Criteria: GeneDx Variant Classification Process June 2021. Collection method: clinical testing. Allele origin: germline.
Comment: Not observed at significant frequency in large population cohorts (gnomAD); In silico analysis supports that this missense variant has a deleterious effect on protein structure/function; This variant is associated with the following publications: (PMID: 29907982)

Labcorp Genetics (formerly Invitae), Labcorp
Classification: Uncertain significance for Familial thoracic aortic aneurysm and aortic dissection. Last evaluated: 2018-01-09. Review status: criteria provided, single submitter. Criteria: Invitae Variant Classification Sherloc (09022015). Collection method: clinical testing. Allele origin: germline.
Comment: This sequence change replaces serine with phenylalanine at codon 308 of the TGFBR1 protein (p.Ser308Phe). The serine residue is highly conserved and there is a large physicochemical difference between serine and phenylalanine. This variant is not present in population databases (ExAC no frequency). In summary, the available evidence is currently insufficient to determine the role of this variant in disease. Therefore, it has been classified as a Variant of Uncertain Significance. Algorithms developed to predict the effect of missense changes on protein structure and function (SIFT, PolyPhen-2, Align-GVGD) all suggest that this variant is likely to be disruptive, but these predictions have not been confirmed by published functional studies and their clinical significance is uncertain. This variant has not been reported in the literature in individuals with TGFBR1-related disease.

NM_004612.4(TGFBR1):c.923C>T (p.Ser308Phe)

Gene: TGFBR1 (transforming growth factor beta receptor 1; plus strand). Cytogenetic location: 9q22.33.
Variant type: single nucleotide variant.
Coding change: c.923C>T on transcript NM_004612.4 (MANE Select); coding-DNA position 923, C replaced by T.
Protein change: p.Ser308Phe; replaces serine 308 with phenylalanine.
Molecular consequence: missense variant.
Genome position (GRCh38, 1-based): chr9:99,142,653, C>T. VCF-style: chr9-99142653-C-T. GRCh37 (hg19) VCF-style: chr9-101904935-C-T.
Other names: c.692C>T, p.Ser231Phe (NM_001130916.3); c.935C>T, p.Ser312Phe (NM_001306210.2); short protein forms S308F, S231F, S312F.
Identifiers: ClinVar variation 573117 (VCV000573117.10), dbSNP rs1564168346, ClinGen allele CA374230742.